The following is an entry in ClinVar:

ClinVar aggregate classification (germline): Uncertain significance (1 of 4 stars; one submission).

gnomAD v4.1: 1 of 1,614,214 alleles (0.000062%); highest among the groups gnomAD compares: Non-Finnish European, 0.000085%; no homozygotes.

Submission:

Labcorp Genetics (formerly Invitae), Labcorp
Classification: Uncertain significance. Last evaluated: 2025-06-03. Review status: criteria provided, single submitter. Criteria: Invitae Variant Classification Sherloc (09022015). Collection method: clinical testing. Allele origin: germline.
Comment: This sequence change replaces isoleucine, which is neutral and non-polar, with threonine, which is neutral and polar, at codon 115 of the COL2A1 protein (p.Ile115Thr). This variant is not present in population databases (gnomAD no frequency). This variant has not been reported in the literature in individuals affected with COL2A1-related conditions. ClinVar contains an entry for this variant (Variation ID: 3608078). Experimental studies and prediction algorithms are not available or were not evaluated, and the functional significance of this variant is currently unknown. In summary, the available evidence is currently insufficient to determine the role of this variant in disease. Therefore, it has been classified as a Variant of Uncertain Significance.

NM_001844.5(COL2A1):c.344T>C (p.Ile115Thr)

Gene: COL2A1 (collagen type II alpha 1 chain; minus strand). Cytogenetic location: 12q13.11.
Variant type: single nucleotide variant.
Coding change: c.344T>C on transcript NM_001844.5 (MANE Select); coding-DNA position 344, T replaced by C.
Protein change: p.Ile115Thr; replaces isoleucine 115 with threonine.
Molecular consequence: missense variant.
Genome position (GRCh38, 1-based): chr12:47,998,063, A>G on the plus strand (T>C on the coding strand, the complement: COL2A1 is on the minus strand). VCF-style: chr12-47998063-A-G. GRCh37 (hg19) VCF-style: chr12-48391846-A-G.
Other names: c.137T>C, p.Ile46Thr (NM_033150.3); short protein forms I115T, I46T.
Identifiers: ClinVar variation 3608078 (VCV003608078.2).
Genomic context (GRCh38, chr12:47,998,063, plus strand): 5'-ACGGAGAAAGAGATTTCTCCCTCTCTTACCTGAGGCCCAGGAGGTCCTTTGGGTCCTACA[A>G]TCTGTGAGAGAGAGCCCCACAGGATGGTAAGTTAGAGGAGAGCACAAGGAAATGACCCAT-3'
Protein context (NP_001835.3, residues 105-125): QKGEPGDIKD[Ile115Thr]VGPKGPPGPQ